The following is an entry in ClinVar:

ClinVar aggregate classification (germline): Uncertain significance (1 of 4 stars; one submission).

Conditions:
Cardiovascular phenotype. Identifiers: MedGen CN230736.

Submission:

Ambry Genetics
Classification: Uncertain significance for Cardiovascular phenotype. Last evaluated: 2026-02-16. Review status: criteria provided, single submitter. Criteria: Ambry Variant Classification Scheme 2023. Collection method: clinical testing. Allele origin: germline.
Comment: The p.S514A variant (also known as c.1540T>G), located in coding exon 10 of the CBL gene, results from a T to G substitution at nucleotide position 1540. The serine at codon 514 is replaced by alanine, an amino acid with similar properties. This amino acid position is conserved. In addition, the in silico prediction for this alteration is inconclusive. Based on the available evidence, the clinical significance of this variant remains unclear.

NM_005188.4(CBL):c.1540T>G (p.Ser514Ala)

Gene: CBL (Cbl proto-oncogene; plus strand). Cytogenetic location: 11q23.3.
Variant type: single nucleotide variant.
Coding change: c.1540T>G on transcript NM_005188.4 (MANE Select); coding-DNA position 1540, T replaced by G.
Protein change: p.Ser514Ala; replaces serine 514 with alanine.
Molecular consequence: missense variant.
Genome position (GRCh38, 1-based): chr11:119,285,077, T>G. VCF-style: chr11-119285077-T-G. GRCh37 (hg19) VCF-style: chr11-119155787-T-G.
Other names: short protein forms S514A.
Identifiers: ClinVar variation 4825177 (VCV004825177.1).